The following is an entry in ClinVar:

NC_012920.1(MT-TC):m.5804A>G

Gene: MT-TC (mitochondrially encoded tRNA cysteine; minus strand).
Variant type: single nucleotide variant.
Genome position: chrM-5804-A-G.
Identifiers: ClinVar variation 689997 (VCV000689997.1), dbSNP rs1603220130, ClinGen allele CA913180514.
Genomic context (GRCh38, chrMT:5,804, plus strand): 5'-GGGAAAAAAGGCGGGAGAAGCCCCGGCAGGTTTGAAGCTGCTTCTTCGAATTTGCAATTC[A>G]ATATGAAAATCACCTCGGAGCTGGTAAAAAGAGGCCTAACCCCTGTCTTTAGATTTACAG-3'

ClinVar aggregate classification (germline): Uncertain significance (1 of 4 stars; one submission).

Conditions:
MELAS syndrome (MELAS). Also called: Juvenile myopathy, encephalopathy, lactic acidosis, stroke. Identifiers: Orphanet 550, MedGen C0162671, MONDO:0010789, OMIM 540000.

Submission:

Wong Mito Lab, Molecular and Human Genetics, Baylor College of Medicine
Classification: Uncertain significance for MELAS syndrome. Last evaluated: 2019-07-12. Review status: criteria provided, single submitter. Criteria: Modified ACMG Guidelines (Unpublished). Collection method: clinical testing. Allele origin: germline.
Comment: The NC_012920.1:m.5804A>G variant in MT-TC gene is interpreted to be a Unknown Significance variant based on the modified ACMG guidelines (unpublished). This variant meets the following evidence codes reported in the guidelines: PP7, BP4

Literature cited by the submitters: PubMed 31965079.